The following is an entry in ClinVar:

ClinVar aggregate classification (germline): Conflicting classifications of pathogenicity. Review status: criteria provided, conflicting classifications (1 of 4 stars). 4 submissions from 4 submitters: Uncertain significance (2); Likely benign (2). Last evaluated 2025-01-15.

Conditions:
Hereditary cancer-predisposing syndrome. Also called: Hereditary Cancer Syndrome; Neoplastic Syndromes, Hereditary; Tumor predisposition; Hereditary neoplastic syndrome. Identifiers: Orphanet 140162, MedGen C0027672, MeSH D009386, MONDO:0015356.
Tuberous sclerosis 2 (TSC2). Identifiers: Orphanet 805, MedGen C1860707, MONDO:0013199, OMIM 613254.

Allele frequency attached by ClinVar (database versions not stated): TOPMed 0.00002.
gnomAD v4.1: 1 of 1,612,134 alleles (0.000062%); highest among the groups gnomAD compares: Non-Finnish European, 0.000085%; no homozygotes.

Submissions (4):

Labcorp Genetics (formerly Invitae), Labcorp
Classification: Uncertain significance for Tuberous sclerosis 2. Last evaluated: 2025-01-15. Review status: criteria provided, single submitter. Criteria: Invitae Variant Classification Sherloc (09022015). Collection method: clinical testing. Allele origin: germline.
Comment: This sequence change replaces phenylalanine, which is neutral and non-polar, with leucine, which is neutral and non-polar, at codon 1509 of the TSC2 protein (p.Phe1509Leu). This variant is present in population databases (rs775919951, gnomAD 0.0009%). This variant has not been reported in the literature in individuals affected with TSC2-related conditions. ClinVar contains an entry for this variant (Variation ID: 187598). Invitae Evidence Modeling of protein sequence and biophysical properties (such as structural, functional, and spatial information, amino acid conservation, physicochemical variation, residue mobility, and thermodynamic stability) indicates that this missense variant is not expected to disrupt TSC2 protein function with a negative predictive value of 95%. In summary, the available evidence is currently insufficient to determine the role of this variant in disease. Therefore, it has been classified as a Variant of Uncertain Significance.

Genome-Nilou Lab
Classification: Likely benign for Tuberous sclerosis 2. Last evaluated: 2021-11-07. Review status: criteria provided, single submitter. Criteria: ACMG Guidelines, 2015. Collection method: clinical testing. Allele origin: germline. Affected: no.

GeneDx
Classification: Uncertain significance. Last evaluated: 2019-12-31. Review status: criteria provided, single submitter. Criteria: GeneDx Variant Classification Process June 2021. Collection method: clinical testing. Allele origin: germline. Affected: yes.
Comment: In silico analysis, which includes protein predictors and evolutionary conservation, supports that this variant does not alter protein structure/function; Observed in an individual with cancer, type not specified (Mandelker 2017); This variant is associated with the following publications: (PMID: 28873162)

Ambry Genetics
Classification: Likely benign for Hereditary cancer-predisposing syndrome. Last evaluated: 2019-03-15. Review status: criteria provided, single submitter. Criteria: Ambry Variant Classification Scheme 2023. Collection method: clinical testing. Allele origin: germline.

NM_000548.5(TSC2):c.4527C>A (p.Phe1509Leu)

Gene: TSC2 (TSC complex subunit 2; plus strand). Cytogenetic location: 16p13.3.
Variant type: single nucleotide variant.
Coding change: c.4527C>A on transcript NM_000548.5 (MANE Select); coding-DNA position 4527, C replaced by A.
Protein change: p.Phe1509Leu; replaces phenylalanine 1509 with leucine.
Molecular consequence: missense variant.
Genome position (GRCh38, 1-based): chr16:2,084,984, C>A. VCF-style: chr16-2084984-C-A. GRCh37 (hg19) VCF-style: chr16-2134985-C-A.
Other names: c.4326C>A, p.Phe1442Leu (NM_001077183.3); c.4458C>A, p.Phe1486Leu (NM_001114382.3); c.4218C>A, p.Phe1406Leu (NM_001318827.2); c.4182C>A, p.Phe1394Leu (NM_001318829.2); c.3795C>A, p.Phe1265Leu (NM_001318831.2); c.4359C>A, p.Phe1453Leu (NM_001318832.2); c.4329C>A, p.Phe1443Leu (NM_001363528.2); c.4395C>A, p.Phe1465Leu (NM_001370404.1); and 1 more; short protein forms F1509L, F1265L, F1394L, F1442L, F1443L, F1453L, F1486L, F1406L.
Identifiers: ClinVar variation 187598 (VCV000187598.19), dbSNP rs775919951, ClinGen allele CA020614.